The following is an entry in ClinVar:

NM_005530.3(IDH3A):c.893G>A (p.Gly298Asp)

Gene: IDH3A (isocitrate dehydrogenase (NAD(+)) 3 catalytic subunit alpha; plus strand). Cytogenetic location: 15q25.1.
Variant type: single nucleotide variant.
Coding change: c.893G>A on transcript NM_005530.3 (MANE Select); coding-DNA position 893, G replaced by A.
Protein change: p.Gly298Asp; replaces glycine 298 with aspartic acid.
Molecular consequence: missense variant.
Genome position (GRCh38, 1-based): chr15:78,166,178, G>A. VCF-style: chr15-78166178-G-A. GRCh37 (hg19) VCF-style: chr15-78458520-G-A.
Other names: short protein forms G298D.
Identifiers: ClinVar variation 1408234 (VCV001408234.5), dbSNP rs368666636, ClinGen allele CA273807743.

ClinVar aggregate classification (germline): Uncertain significance. Review status: criteria provided, multiple submitters, no conflicts (2 of 4 stars). 2 submissions from 2 submitters: Uncertain significance (2). Last evaluated 2024-10-10.

Allele frequency attached by ClinVar (database versions not stated): gnomAD 0.00002; gnomAD exomes 0.00002 and 0.00003; TOPMed 0.00002; ESP Exome Variant Server 0.00008.
gnomAD v4.1: 44 of 1,614,032 alleles (0.0027%); highest among the groups gnomAD compares: Middle Eastern, 0.016%; no homozygotes.

Submissions (2):

Blueprint Genetics
Classification: Uncertain significance. Last evaluated: 2024-10-10. Review status: criteria provided, single submitter. Criteria: ACMG Guidelines, 2015. Collection method: clinical testing. Allele origin: germline.

Labcorp Genetics (formerly Invitae), Labcorp
Classification: Uncertain significance. Last evaluated: 2023-12-11. Review status: criteria provided, single submitter. Criteria: Invitae Variant Classification Sherloc (09022015). Collection method: clinical testing. Allele origin: germline.
Comment: This sequence change replaces glycine, which is neutral and non-polar, with aspartic acid, which is acidic and polar, at codon 298 of the IDH3A protein (p.Gly298Asp). This variant is present in population databases (rs368666636, gnomAD 0.003%). This variant has not been reported in the literature in individuals affected with IDH3A-related conditions. ClinVar contains an entry for this variant (Variation ID: 1408234). Advanced modeling of protein sequence and biophysical properties (such as structural, functional, and spatial information, amino acid conservation, physicochemical variation, residue mobility, and thermodynamic stability) has been performed at Invitae for this missense variant, however the output from this modeling did not meet the statistical confidence thresholds required to predict the impact of this variant on IDH3A protein function. In summary, the available evidence is currently insufficient to determine the role of this variant in disease. Therefore, it has been classified as a Variant of Uncertain Significance.